The following is an entry in ClinVar:

ClinVar aggregate classification (germline): Uncertain significance (1 of 4 stars; one submission).

Submission:

Labcorp Genetics (formerly Invitae), Labcorp
Classification: Uncertain significance. Last evaluated: 2024-10-15. Review status: criteria provided, single submitter. Criteria: Invitae Variant Classification Sherloc (09022015). Collection method: clinical testing. Allele origin: germline.
Comment: This sequence change replaces valine, which is neutral and non-polar, with leucine, which is neutral and non-polar, at codon 655 of the MERTK protein (p.Val655Leu). This variant is not present in population databases (gnomAD no frequency). This variant has not been reported in the literature in individuals affected with MERTK-related conditions. ClinVar contains an entry for this variant (Variation ID: 2117339). An algorithm developed to predict the effect of missense changes on protein structure and function (PolyPhen-2) suggests that this variant is likely to be disruptive. In summary, the available evidence is currently insufficient to determine the role of this variant in disease. Therefore, it has been classified as a Variant of Uncertain Significance.

NM_006343.3(MERTK):c.1963G>C (p.Val655Leu)

Gene: MERTK (MER proto-oncogene, tyrosine kinase; plus strand). Cytogenetic location: 2q13.
Variant type: single nucleotide variant.
Coding change: c.1963G>C on transcript NM_006343.3 (MANE Select); coding-DNA position 1963, G replaced by C.
Protein change: p.Val655Leu; replaces valine 655 with leucine.
Molecular consequence: missense variant.
Genome position (GRCh38, 1-based): chr2:112,009,950, G>C. VCF-style: chr2-112009950-G-C. GRCh37 (hg19) VCF-style: chr2-112767527-G-C.
Other names: short protein forms V655L.
Identifiers: ClinVar variation 2117339 (VCV002117339.4), dbSNP rs754159862, ClinGen allele CA348233969.